The following is an entry in ClinVar:

NM_005629.4(SLC6A8):c.453_454insGCTGAGGCGGGAGAATCTCTTGAAGCCGGGAAGCAGAGGTTGCAGTGAACCGACATCGCGCCACTGCACTCCAGCCTGGGTGACAGAGTGAGACTCCATCTCAAAATAAATAAAAATAAAATAAAATAAAACAAGGTCTCATTCTCTTACCCAGGCTGGAGTGCAGTGGTACAATCAGAGCTCACCCCAGCCACAAACTCCTGGACTCAAGTGATCCTCCCACCTCAGCCTCCCTTGAATAGCTAGGACTACAAGTGTATGCCTCCAGGCCTGGCTAATTGTTTTTAATTTTTTGGTAGAGGCAGGGATCTCATTGTATTGCCCAGGCTGGGGTCCCAAACTCCTGATCACAAGTGAACCTCCTGCCTCAGCCTCTGAAAGTGCTGGGATTACAGGCATGAGCCACCGTGCCCAGCTCCCTGACAATTTCTGGCTGCATGGACTTCTGGTTACAAGCAGGGAAACTGAGGCCTGGATACAGCAAACAGGATCTGGCCCAGCTTTAAGTGGGGAACATGCAGTTTGGGGGACCCAGGCTCATGGTG (p.Leu152delinsAlaGluAlaGlyGluSerLeuGluAlaGlyLysGlnArgLeuGlnTer)

Gene: SLC6A8 (solute carrier family 6 member 8; plus strand). Cytogenetic location: Xq28.
Variant type: Insertion.
Coding change: c.453_454insGCTGAGGCGGGAGAATCTCTTGAAGCCGGGAAGCAGAGGTTGCAGTGAACCGACATCGCGCCACTGCACTCCAGCCTGGGTGACAGAGTGAGACTCCATCTCAAAATAAATAAAAATAAAATAAAATAAAACAAGGTCTCATTCTCTTACCCAGGCTGGAGTGCAGTGGTACAATCAGAGCTCACCCCAGCCACAAACTCCTGGACTCAAGTGATCCTCCCACCTCAGCCTCCCTTGAATAGCTAGGACTACAAGTGTATGCCTCCAGGCCTGGCTAATTGTTTTTAATTTTTTGGTAGAGGCAGGGATCTCATTGTATTGCCCAGGCTGGGGTCCCAAACTCCTGATCACAAGTGAACCTCCTGCCTCAGCCTCTGAAAGTGCTGGGATTACAGGCATGAGCCACCGTGCCCAGCTCCCTGACAATTTCTGGCTGCATGGACTTCTGGTTACAAGCAGGGAAACTGAGGCCTGGATACAGCAAACAGGATCTGGCCCAGCTTTAAGTGGGGAACATGCAGTTTGGGGGACCCAGGCTCATGGTG on transcript NM_005629.4 (MANE Select); coding-DNA positions 453 to 454, GCTGAGGCGGGAGAATCTCTTGAAGCCGGGAAGCAGAGGTTGCAGTGAACCGACATCGCGCCACTGCACTCCAGCCTGGGTGACAGAGTGAGACTCCATCTCAAAATAAATAAAAATAAAATAAAATAAAACAAGGTCTCATTCTCTTACCCAGGCTGGAGTGCAGTGGTACAATCAGAGCTCACCCCAGCCACAAACTCCTGGACTCAAGTGATCCTCCCACCTCAGCCTCCCTTGAATAGCTAGGACTACAAGTGTATGCCTCCAGGCCTGGCTAATTGTTTTTAATTTTTTGGTAGAGGCAGGGATCTCATTGTATTGCCCAGGCTGGGGTCCCAAACTCCTGATCACAAGTGAACCTCCTGCCTCAGCCTCTGAAAGTGCTGGGATTACAGGCATGAGCCACCGTGCCCAGCTCCCTGACAATTTCTGGCTGCATGGACTTCTGGTTACAAGCAGGGAAACTGAGGCCTGGATACAGCAAACAGGATCTGGCCCAGCTTTAAGTGGGGAACATGCAGTTTGGGGGACCCAGGCTCATGGTG inserted.
Protein change: p.Leu152delinsAlaGluAlaGlyGluSerLeuGluAlaGlyLysGlnArgLeuGlnTer.
Molecular consequence: nonsense.
Genome position: GRCh38: chrX:153,691,362-153,691,363. GRCh37 (hg19): chrX:152,956,817-152,956,818.
Other names: c.453_454insGCTGAGGCGGGAGAATCTCTTGAAGCCGGGAAGCAGAGGTTGCAGTGAACCGACATCGCGCCACTGCACTCCAGCCTGGGTGACAGAGTGAGACTCCATCTCAAAATAAATAAAAATAAAATAAAATAAAACAAGGTCTCATTCTCTTACCCAGGCTGGAGTGCAGTGGTACAATCAGAGCTCACCCCAGCCACAAACTCCTGGACTCAAGTGATCCTCCCACCTCAGCCTCCCTTGAATAGCTAGGACTACAAGTGTATGCCTCCAGGCCTGGCTAATTGTTTTTAATTTTTTGGTAGAGGCAGGGATCTCATTGTATTGCCCAGGCTGGGGTCCCAAACTCCTGATCACAAGTGAACCTCCTGCCTCAGCCTCTGAAAGTGCTGGGATTACAGGCATGAGCCACCGTGCCCAGCTCCCTGACAATTTCTGGCTGCATGGACTTCTGGTTACAAGCAGGGAAACTGAGGCCTGGATACAGCAAACAGGATCTGGCCCAGCTTTAAGTGGGGAACATGCAGTTTGGGGGACCCAGGCTCATGGTG, p.Leu152delinsAlaGluAlaGlyGluSerLeuGluAlaGlyLysGlnArgLeuGlnTer (NM_001142805.2); c.108_109insGCTGAGGCGGGAGAATCTCTTGAAGCCGGGAAGCAGAGGTTGCAGTGAACCGACATCGCGCCACTGCACTCCAGCCTGGGTGACAGAGTGAGACTCCATCTCAAAATAAATAAAAATAAAATAAAATAAAACAAGGTCTCATTCTCTTACCCAGGCTGGAGTGCAGTGGTACAATCAGAGCTCACCCCAGCCACAAACTCCTGGACTCAAGTGATCCTCCCACCTCAGCCTCCCTTGAATAGCTAGGACTACAAGTGTATGCCTCCAGGCCTGGCTAATTGTTTTTAATTTTTTGGTAGAGGCAGGGATCTCATTGTATTGCCCAGGCTGGGGTCCCAAACTCCTGATCACAAGTGAACCTCCTGCCTCAGCCTCTGAAAGTGCTGGGATTACAGGCATGAGCCACCGTGCCCAGCTCCCTGACAATTTCTGGCTGCATGGACTTCTGGTTACAAGCAGGGAAACTGAGGCCTGGATACAGCAAACAGGATCTGGCCCAGCTTTAAGTGGGGAACATGCAGTTTGGGGGACCCAGGCTCATGGTG, p.Leu37delinsAlaGluAlaGlyGluSerLeuGluAlaGlyLysGlnArgLeuGlnTer (NM_001142806.1).
Identifiers: ClinVar variation 1390569 (VCV001390569.6), dbSNP rs2148361006, ClinGen allele CA2573159468.

ClinVar aggregate classification (germline): Pathogenic (1 of 4 stars; one submission).

Conditions:
Creatine transporter deficiency (CCDS1). Also called: Mental retardation , X-linked with seizures, short stature and midface hypoplasia; Mental retardation , X-linked, with creatine transport deficiency; X-linked creatine transporter deficiency; X-linked creatine deficiency syndrome; SLC6A8-Related Creatine Transporter Deficiency; Creatine Transporter (CRTR) Deficiency. Identifiers: Orphanet 52503, MedGen C1845862, MONDO:0010305, OMIM 300352.

Submission:

Labcorp Genetics (formerly Invitae), Labcorp
Classification: Pathogenic for Creatine transporter deficiency. Last evaluated: 2021-02-24. Review status: criteria provided, single submitter. Criteria: Invitae Variant Classification Sherloc (09022015). Collection method: clinical testing. Allele origin: germline.
Comment: For these reasons, this variant has been classified as Pathogenic. Retrotransposon insertions including LINE1 (L1), Alu, and SVA (SINE-VNTR-Alu) have been reported to be disease-causing through disruption of either a coding region or splice site (PMID: 19763152, 20307669, 22406018) and loss-of-function variants in SLC6A8 are known to be pathogenic (PMID: 22281021). Algorithms developed to predict the effect of sequence changes on RNA splicing suggest that this variant may create or strengthen a splice site, but this prediction has not been confirmed by published transcriptional studies. This variant has not been reported in the literature in individuals with SLC6A8-related conditions. This variant is not present in population databases (ExAC no frequency). This sequence change inserts a large fragment of DNA, likely a transposable element, in exon 3 of the SLC6A8 gene (c.453_454ins?), causing a frameshift at codon 152 (p.Leu152fs). The exact size and sequence of the insertion cannot be determined by the current assay. However, the insertion is expected to result in an absent or disrupted protein product.

Literature cited by the submitters: PubMed 19763152; PubMed 20307669; PubMed 22406018; PubMed 22281021.